The following is an entry in ClinVar:

ClinVar aggregate classification (germline): Uncertain significance (1 of 4 stars; one submission).

Conditions:
Immunodeficiency 67. Also called: Immunodeficiency due to interleukin-1 receptor-associated kinase-4 deficiency. Identifiers: Orphanet 70592, MedGen C1843256, MONDO:0011888, OMIM 607676.

Submission:

Institute of Human Genetics, University of Leipzig Medical Center
Classification: Uncertain significance for Immunodeficiency 67. Last evaluated: 2020-08-27. Review status: criteria provided, single submitter. Criteria: ACMG Guidelines, 2015. Collection method: clinical testing. Allele origin: unknown. Affected: yes.
Comment: This variant was identified as compound heterozygous with NM_016123.3:c.877C>T.

NM_016123.4(IRAK4):c.1148G>T (p.Gly383Val)

Gene: IRAK4 (interleukin 1 receptor associated kinase 4; plus strand). Cytogenetic location: 12q12.
Variant type: single nucleotide variant.
Coding change: c.1148G>T on transcript NM_016123.4 (MANE Select); coding-DNA position 1148, G replaced by T.
Protein change: p.Gly383Val; replaces glycine 383 with valine.
Molecular consequence: missense variant.
Genome position (GRCh38, 1-based): chr12:43,783,684, G>T. VCF-style: chr12-43783684-G-T. GRCh37 (hg19) VCF-style: chr12-44177487-G-T.
Other names: c.1148G>T, p.Gly383Val (NM_001114182.3, NM_001351345.2); c.776G>T, p.Gly259Val (NM_001145256.2, NM_001145257.2, NM_001145258.2 and 5 more transcripts); c.539G>T, p.Gly180Val (NM_001351343.2, NM_001351344.2); short protein forms G180V, G259V, G383V.
Identifiers: ClinVar variation 1285444 (VCV001285444.1), dbSNP rs755772831, ClinGen allele CA6522598.